The following is an entry in ClinVar:

ClinVar aggregate classification (germline): association; drug response; risk factor. Review status: no assertion criteria provided (0 of 4 stars). 4 submissions from 4 submitters. Last evaluated 2022-04-15.

Conditions:
Hypertension, salt-sensitive essential, susceptibility to. Identifiers: MedGen C3837651.
refractory myasthenia gravis.
Tacrolimus response. Also called: FK-506 response. Identifiers: MedGen C3547403.

Allele frequency attached by ClinVar (database versions not stated): 1000 Genomes Project 30x 0.61540; TOPMed 0.70069; gnomAD 0.72319 and 0.72671.
gnomAD v4.1: 1,150,440 of 1,304,936 alleles (88%); highest among the groups gnomAD compares: Non-Finnish European, 93%; 522,108 homozygotes.

Submissions (4):

Pharmacy Department, Siriraj Hospital, Mahidol University
Classification: drug response for tacrolimus response. Last evaluated: 2022-04-15. Review status: no assertion criteria provided. Collection method: research. Allele origin: germline. Affected: yes.
Comment: The risk of immunological complications is generally highest during the early period after kidney transplantation. Adequate immunosuppression is crucial during this critical period since lower tacrolimus exposure at approximately one week post-kidney transplantation has been associated with subsequently higher rates of acute rejection [Undre 1999, Borobia 2009, O’Seaghdha 2009, Richards 2014]. The very low dosage of 60 mg/day diltiazem affects tacrolimus exposure in CYP3A5 expressers and may reduce tacrolimus dosage requirement in CYP3A5 expressers to achieve the same exposure of the drug in nonexpressers during the first week after kidney transplantation.

affected

Department of Neurology lab, Tongji Hospital, Tongji Hospital of Tongji Medical College, Huazhong University of Science and Technology
Classification: association for refractory myasthenia gravis. Last evaluated: 2022-03-23. Review status: no assertion criteria provided. Collection method: clinical testing. Allele origin: inherited. Affected: yes.
Comment: Genetic polymorphisms of CYP3A5 influence the blood trough concentration and efficacy of tacrolimus for myasthenia gravis patients. CYP3A5 rs776746 were predictive factors for refractory myasthenia gravis.

Pharmacy Practice Department, Chulalongkorn University
Classification: drug response for Tacrolimus response. Last evaluated: 2021-12-31. Review status: no assertion criteria provided. Collection method: research. Allele origin: germline. Affected: no.
Comment: Fluctuation of tacrolimus exposure in an individual transplant recipient has been recognized as a tool for identifying patients at risk of poor outcomes (Shuker 2016, Gonzales 2020). No evidence of impact of the CYP3A5 genetic polymorphisms on tacrolimus intra-patient variability of dose-adjusted trough concentrations during 6 to 12 months after kidney transplantation was determined. However, significant influence of the polymorphisms on tacrolimus exposure was found when comparing CYP3A5 expressers with nonexpressers at months 6, 9, and 12 after transplantation, with large effect.

no evidence of effect

OMIM
Classification: risk factor for HYPERTENSION, SALT-SENSITIVE ESSENTIAL, SUSCEPTIBILITY TO. Last evaluated: 2004-12-01. Review status: no assertion criteria provided. Collection method: literature only. Allele origin: germline.

Literature cited by the submitters: DOI 10.1016/j.jneuroim.2021.577571 (cited by Department of Neurology lab, Tongji Hospital, Tongji Hospital of Tongji Medical College, Huazhong University of Science and Technology); DOI 10.1111/ene.13652 (cited by Department of Neurology lab, Tongji Hospital, Tongji Hospital of Tongji Medical College, Huazhong University of Science and Technology); PubMed 11279519 (cited by OMIM); PubMed 12065767 (cited by OMIM); PubMed 11740341 (cited by OMIM); PubMed 12754175 (cited by OMIM); PubMed 15492926 (cited by OMIM).

NM_000777.5(CYP3A5):c.219-237A>G

Genes: CYP3A5 (cytochrome P450 family 3 subfamily A member 5; minus strand), ZSCAN25 (zinc finger and SCAN domain containing 25; plus strand). Cytogenetic location: 7q22.1.
Variant type: single nucleotide variant.
Coding change: c.219-237A>G on transcript NM_000777.5 (MANE Select); 237 bases into the intron before coding-DNA position 219, A replaced by G.
Molecular consequence: intron variant. On other transcripts: splice acceptor variant (1).
Genome position (GRCh38, 1-based): chr7:99,672,916, T>C on the plus strand (A>G on the coding strand, the complement: CYP3A5 is on the minus strand). VCF-style: chr7-99672916-T-C. GRCh37 (hg19) VCF-style: chr7-99270539-C-C.
Other names: CYP3A5*3; 6986A-G; c.189-237A>G (NM_001291830.2); c.-253-1A>G (NM_001291829.2); c.219-237A>G (NM_001190484.3, NM_000777.4).
Identifiers: ClinVar variation 5066 (VCV000005066.30), dbSNP rs776746, ClinGen allele CA163147536.
Genomic context (GRCh38, chr7:99,672,916, plus strand): 5'-CAGGAGCCACCCAAGGCTTCATATGATGAAGGGTAATGTGGTCCAAACAGGGAAGAGATA[T>C]TGAAAGACAAAAGAGCTCTTTAAAGAGATTATGGTTAGAAATGACAGTAGAGCATTCGTT-3'